The following is an entry in ClinVar:

NM_001378183.1(PIEZO2):c.341C>G (p.Ala114Gly)

Gene: PIEZO2 (piezo type mechanosensitive ion channel component 2; minus strand). Cytogenetic location: 18p11.22.
Variant type: single nucleotide variant.
Coding change: c.341C>G on transcript NM_001378183.1 (MANE Select); coding-DNA position 341, C replaced by G.
Protein change: p.Ala114Gly; replaces alanine 114 with glycine.
Molecular consequence: missense variant.
Genome position (GRCh38, 1-based): chr18:10,871,404, G>C on the plus strand (C>G on the coding strand, the complement: PIEZO2 is on the minus strand). VCF-style: chr18-10871404-G-C. GRCh37 (hg19) VCF-style: chr18-10871402-G-C.
Other names: c.341C>G, p.Ala114Gly (NM_001410871.1, NM_022068.4); short protein forms A114G.
Identifiers: ClinVar variation 2630260 (VCV002630260.1), dbSNP rs2511000638, ClinGen allele CA402030098.
Genomic context (GRCh38, chr18:10,871,404, plus strand): 5'-AGACTAGCAATGAACATCCCGATGTCAGGTACAAACACTCTGATCCCATTGCCAGCATCA[G>C]CTCCCTTTAAGCTATAAAGGAAAAACAAGGGGAGGGGAAAAAAATTTAGTTCTTATATTT-3'
Protein context (NP_001365112.1, residues 104-124): RQIGFESLKG[Ala114Gly]DAGNGIRVFV

ClinVar aggregate classification (germline): Uncertain significance (1 of 4 stars; one submission).

Conditions:
PIEZO2-related disorder. Also called: PIEZO2-related condition; PIEZO2-related disorders.

Submission:

PreventionGenetics, part of Exact Sciences
Classification: Uncertain significance for PIEZO2-related condition. Last evaluated: 2023-02-20. Review status: criteria provided, single submitter. Criteria: ACMG Guidelines, 2015. Collection method: clinical testing. Allele origin: germline.
Comment: The PIEZO2 c.341C>G variant is predicted to result in the amino acid substitution p.Ala114Gly. To our knowledge, this variant has not been reported in the literature or in a large population database, indicating this variant is rare. At this time, the clinical significance of this variant is uncertain due to the absence of conclusive functional and genetic evidence.